The following is an entry in ClinVar:

ClinVar aggregate classification (germline): Uncertain significance (1 of 4 stars; one submission).

Conditions:
MAP3K15-related disorder. Also called: MAP3K15-related condition.

Submission:

PreventionGenetics, part of Exact Sciences
Classification: Uncertain significance for MAP3K15-related condition. Last evaluated: 2022-12-07. Review status: criteria provided, single submitter. Criteria: ACMG Guidelines, 2015. Collection method: clinical testing. Allele origin: germline.
Comment: The MAP3K15 c.233delG variant is predicted to result in a frameshift and premature protein termination (p.Gly78Alafs*48). To our knowledge, this variant has not been reported in the literature. This variant is reported in 0.0038% of alleles in individuals of European (Non-Finnish) descent in gnomAD. Although we suspect that this variant may be pathogenic, at this time, the clinical significance of this variant is uncertain due to the absence of conclusive functional and genetic evidence.

NM_001001671.4(MAP3K15):c.233del (p.Gly78fs)

Gene: MAP3K15 (mitogen-activated protein kinase kinase kinase 15; minus strand). Cytogenetic location: Xp22.12.
Variant type: Deletion.
Coding change: c.233del on transcript NM_001001671.4 (MANE Select); coding-DNA position 233, one base deleted (G; older notation c.233delG).
Protein change: p.Gly78fs; shifts the reading frame from glycine 78.
Molecular consequence: frameshift variant.
Genome position (GRCh38, 1-based): chrX:19,515,029, C deleted on the plus strand (G on the coding strand, the reverse complement: MAP3K15 is on the minus strand); the first of 2 consecutive C bases (chrX:19,515,029-19,515,030); deleting either gives the same sequence. VCF-style (leftmost placement, unchanged base first): chrX-19515028-GC-G. GRCh37 (hg19) VCF-style: chrX-19533146-GC-G.
Other names: short protein forms G78fs.
Identifiers: ClinVar variation 2634078 (VCV002634078.1), dbSNP rs759538376, ClinGen allele CA10364375.